The following is an entry in ClinVar:

NM_001267550.2(TTN):c.40214C>T (p.Pro13405Leu)

Gene: TTN (titin; minus strand). Cytogenetic location: 2q31.2.
Variant type: single nucleotide variant.
Coding change: c.40214C>T on transcript NM_001267550.2 (MANE Select); coding-DNA position 40214, C replaced by T.
Protein change: p.Pro13405Leu; replaces proline 13405 with leucine.
Molecular consequence: missense variant. On other transcripts: intron variant (4).
Genome position (GRCh38, 1-based): chr2:178,647,072, G>A on the plus strand (C>T on the coding strand, the complement: TTN is on the minus strand). VCF-style: chr2-178647072-G-A. GRCh37 (hg19) VCF-style: chr2-179511799-G-A.
Other names: c.13283-4755C>T (NM_003319.4); c.13859-4755C>T (NM_133437.4); c.13658-4755C>T (NM_133432.3); c.35375-1042C>T (NM_001256850.1); c.32594-1042C>T (NM_133378.4); short protein forms P13405L.
Identifiers: ClinVar variation 191976 (VCV000191976.1), dbSNP rs201648893, ClinGen allele CA238008.
Genomic context (GRCh38, chr2:178,647,072, plus strand): 5'-ACAGGAATCTTCAGGAGATTAAAAAAATGTATATATATATATATATATATACCTTCAACA[G>A]GGGGAGTCTCTTTTCTACCAATGGTTATAGATGCTTTTTCTTCATATATTATTTCCTCAG-3'
Protein context (NP_001254479.2, residues 13395-13415): SITIGRKETP[Pro13405Leu]VEEREIEKYI

ClinVar aggregate classification (germline): Uncertain significance (1 of 4 stars; one submission).

Allele frequency attached by ClinVar (database versions not stated): TOPMed 0.00001; gnomAD exomes 0.00002; gnomAD 0.00001.
gnomAD v4.1: 20 of 1,293,052 alleles (0.0015%); highest among the groups gnomAD compares: Middle Eastern, 0.052%; no homozygotes.

Submission:

Biesecker Lab/Clinical Genomics Section, National Institutes of Health
Classification: Uncertain significance. Last evaluated: 2013-06-24. Review status: criteria provided, single submitter. Criteria: Ng et al. (Circ Cardiovasc Genet. 2013). Collection method: research. Allele origin: unknown. Observed: 1 variant allele. Study: ClinSeq.
Comment: The study set was not selected for affection status in relation to any cancer. Pathogenicity categories were based on literature curation. See Pubmed ID:23861362 for details.

Medical sequencing